The following is an entry in ClinVar:

NM_003074.4(SMARCC1):c.1933G>A (p.Val645Met)

Gene: SMARCC1 (SWI/SNF related BAF chromatin remodeling complex subunit C1; minus strand). Cytogenetic location: 3p21.31.
Variant type: single nucleotide variant.
Coding change: c.1933G>A on transcript NM_003074.4 (MANE Select); coding-DNA position 1933, G replaced by A.
Protein change: p.Val645Met; replaces valine 645 with methionine.
Molecular consequence: missense variant.
Genome position (GRCh38, 1-based): chr3:47,662,559, C>T on the plus strand (G>A on the coding strand, the complement: SMARCC1 is on the minus strand). VCF-style: chr3-47662559-C-T. GRCh37 (hg19) VCF-style: chr3-47704049-C-T.
Other names: short protein forms V645M.
Identifiers: ClinVar variation 5008064 (VCV005008064.1).

ClinVar aggregate classification (germline): Uncertain significance (1 of 4 stars; one submission).

Submission:

GeneDx
Classification: Uncertain significance. Last evaluated: 2026-02-25. Review status: criteria provided, single submitter. Criteria: GeneDx Variant Classification Process June 2021. Collection method: clinical testing. Allele origin: germline.
Comment: Not observed at significant frequency in large population cohorts (gnomAD); In silico analysis supports that this missense variant has a deleterious effect on protein structure/function; Has not been previously published as pathogenic or benign to our knowledge